The following is an entry in ClinVar:

ClinVar aggregate classification (germline): Uncertain significance (1 of 4 stars; one submission).

Conditions:
ANKRD1-related dilated cardiomyopathy. Identifiers: MedGen CN119551.

Submission:

Labcorp Genetics (formerly Invitae), Labcorp
Classification: Uncertain significance for ANKRD1-related dilated cardiomyopathy. Last evaluated: 2025-09-23. Review status: criteria provided, single submitter. Criteria: Invitae Variant Classification Sherloc (09022015). Collection method: clinical testing. Allele origin: germline.
Comment: This variant, c.508_510del, results in the deletion of 1 amino acid(s) of the ANKRD1 protein (p.Glu170del), but otherwise preserves the integrity of the reading frame. This variant is not present in population databases (gnomAD no frequency). This variant has not been reported in the literature in individuals affected with ANKRD1-related conditions. Experimental studies and prediction algorithms are not available or were not evaluated, and the functional significance of this variant is currently unknown. In summary, the available evidence is currently insufficient to determine the role of this variant in disease. Therefore, it has been classified as a Variant of Uncertain Significance.

NM_014391.3(ANKRD1):c.508_510del (p.Glu170del)

Gene: ANKRD1 (ankyrin repeat domain 1; minus strand). Cytogenetic location: 10q23.31.
Variant type: Deletion.
Coding change: c.508_510del on transcript NM_014391.3 (MANE Select); coding-DNA positions 508 to 510, 3 bases deleted (GAG; older notation c.508_510delGAG).
Protein change: p.Glu170del; deletes glutamic acid 170.
Molecular consequence: inframe deletion.
Genome position (GRCh38, 1-based): chr10:90,917,774-90,917,776, CTC deleted on the plus strand (GAG on the coding strand, the reverse complement: ANKRD1 is on the minus strand); deleting any 3 consecutive bases within chr10:90,917,774-90,917,777 gives the same sequence; the c. name uses the placement nearest the transcript's 3' end. VCF-style (leftmost placement, unchanged base first): chr10-90917773-TCTC-T. GRCh37 (hg19) VCF-style: chr10-92677530-TCTC-T.
Other names: short protein forms E170del.
Identifiers: ClinVar variation 4727708 (VCV004727708.1).